The following is an entry in ClinVar:

NM_016151.4(TAOK2):c.3401G>A (p.Arg1134Gln)

Gene: TAOK2 (TAO kinase 2; plus strand). Cytogenetic location: 16p11.2.
Variant type: single nucleotide variant.
Coding change: c.3401G>A on transcript NM_016151.4 (MANE Select); coding-DNA position 3401, G replaced by A.
Protein change: p.Arg1134Gln; replaces arginine 1134 with glutamine.
Molecular consequence: missense variant. On other transcripts: intron variant (1).
Genome position (GRCh38, 1-based): chr16:29,987,673, G>A. VCF-style: chr16-29987673-G-A. GRCh37 (hg19) VCF-style: chr16-29998994-G-A.
Other names: c.3062G>A, p.Arg1021Gln (NM_001252043.2); c.2232+1169G>A (NM_004783.4); c.3401G>A (NM_016151.2); short protein forms R1021Q, R1134Q.
Identifiers: ClinVar variation 2970353 (VCV002970353.4), dbSNP rs545581481, ClinGen allele CA7998565.
Genomic context (GRCh38, chr16:29,987,673, plus strand): 5'-TGTACCCCAAAACCAACAAGGATGGCTTCCGCAGCCGCCTGCCCGTCCCTGGGCCCCGGC[G>A]GCGTAATCCCCGCACCACCCAACACCCATTAGCTCTGTTGGCAAGGGTCTGGGTCCTGTG-3'
Protein context (NP_057235.2, residues 1124-1144): RSRLPVPGPR[Arg1134Gln]RNPRTTQHPL

ClinVar aggregate classification (germline): Uncertain significance. Review status: criteria provided, multiple submitters, no conflicts (2 of 4 stars). 2 submissions from 2 submitters: Uncertain significance (2). Last evaluated 2024-04-12.

Allele frequency attached by ClinVar (database versions not stated): TOPMed below 0.00001; gnomAD 0.00001; ExAC 0.00003; 1000 Genomes Project 30x 0.00016; 1000 Genomes Project 0.00020.
gnomAD v4.1: 23 of 1,613,896 alleles (0.0014%); highest among the groups gnomAD compares: East Asian, 0.033%; no homozygotes.

Submissions (2):

Ambry Genetics
Classification: Uncertain significance. Last evaluated: 2024-04-12. Review status: criteria provided, single submitter. Criteria: Ambry Variant Classification Scheme 2023. Collection method: clinical testing. Allele origin: germline.

Labcorp Genetics (formerly Invitae), Labcorp
Classification: Uncertain significance. Last evaluated: 2024-03-25. Review status: criteria provided, single submitter. Criteria: Invitae Variant Classification Sherloc (09022015). Collection method: clinical testing. Allele origin: germline.
Comment: This sequence change replaces arginine, which is basic and polar, with glutamine, which is neutral and polar, at codon 1134 of the TAOK2 protein (p.Arg1134Gln). This variant is present in population databases (rs545581481, gnomAD 0.03%). This variant has not been reported in the literature in individuals affected with TAOK2-related conditions. Algorithms developed to predict the effect of missense changes on protein structure and function output the following: SIFT: "Not Available"; PolyPhen-2: "Benign"; Align-GVGD: "Not Available". The glutamine amino acid residue is found in multiple mammalian species, which suggests that this missense change does not adversely affect protein function. In summary, the available evidence is currently insufficient to determine the role of this variant in disease. Therefore, it has been classified as a Variant of Uncertain Significance.